The following is an entry in ClinVar:

ClinVar aggregate classification (germline): Uncertain significance (1 of 4 stars; one submission).

Submission:

Labcorp Genetics (formerly Invitae), Labcorp
Classification: Uncertain significance. Last evaluated: 2021-06-25. Review status: criteria provided, single submitter. Criteria: Invitae Variant Classification Sherloc (09022015). Collection method: clinical testing. Allele origin: germline.
Comment: In summary, the available evidence is currently insufficient to determine the role of this variant in disease. Therefore, it has been classified as a Variant of Uncertain Significance. Algorithms developed to predict the effect of missense changes on protein structure and function are either unavailable or do not agree on the potential impact of this missense change (SIFT: "Deleterious"; PolyPhen-2: "Not Available"; Align-GVGD: "Class C0"). This sequence change replaces glycine with tryptophan at codon 641 of the KDM6B protein (p.Gly641Trp). The glycine residue is moderately conserved and there is a large physicochemical difference between glycine and tryptophan. This variant is not present in population databases (ExAC no frequency). This variant has not been reported in the literature in individuals with KDM6B-related conditions.

NM_001348716.2(KDM6B):c.1921G>T (p.Gly641Trp)

Gene: KDM6B (lysine demethylase 6B; plus strand). Cytogenetic location: 17p13.1.
Variant type: single nucleotide variant.
Coding change: c.1921G>T on transcript NM_001348716.2 (MANE Select); coding-DNA position 1921, G replaced by T.
Protein change: p.Gly641Trp; replaces glycine 641 with tryptophan.
Molecular consequence: missense variant.
Genome position (GRCh38, 1-based): chr17:7,848,209, G>T. VCF-style: chr17-7848209-G-T. GRCh37 (hg19) VCF-style: chr17-7751527-G-T.
Other names: c.1921G>T, p.Gly641Trp (NM_001080424.2); short protein forms G641W.
Identifiers: ClinVar variation 1413726 (VCV001413726.8), dbSNP rs2151377376, ClinGen allele CA397917683.